The following is an entry in ClinVar:

ClinVar aggregate classification (germline): Uncertain significance (1 of 4 stars; one submission).

gnomAD v4.1: 3 of 1,612,054 alleles (0.00019%); highest among the groups gnomAD compares: African/African-American, 0.004%; no homozygotes.

Submission:

Labcorp Genetics (formerly Invitae), Labcorp
Classification: Uncertain significance. Last evaluated: 2024-10-30. Review status: criteria provided, single submitter. Criteria: Invitae Variant Classification Sherloc (09022015). Collection method: clinical testing. Allele origin: germline.
Comment: This sequence change replaces glutamine, which is neutral and polar, with histidine, which is basic and polar, at codon 446 of the LRRC56 protein (p.Gln446His). This variant is present in population databases (rs752489771, gnomAD 0.008%). This variant has not been reported in the literature in individuals affected with LRRC56-related conditions. Invitae Evidence Modeling of protein sequence and biophysical properties (such as structural, functional, and spatial information, amino acid conservation, physicochemical variation, residue mobility, and thermodynamic stability) indicates that this missense variant is not expected to disrupt LRRC56 protein function with a negative predictive value of 80%. In summary, the available evidence is currently insufficient to determine the role of this variant in disease. Therefore, it has been classified as a Variant of Uncertain Significance.

NM_198075.4(LRRC56):c.1338G>C (p.Gln446His)

Gene: LRRC56 (leucine rich repeat containing 56; plus strand). Cytogenetic location: 11p15.5.
Variant type: single nucleotide variant.
Coding change: c.1338G>C on transcript NM_198075.4 (MANE Select); coding-DNA position 1338, G replaced by C.
Protein change: p.Gln446His; replaces glutamine 446 with histidine.
Molecular consequence: missense variant.
Genome position (GRCh38, 1-based): chr11:553,985, G>C. VCF-style: chr11-553985-G-C. GRCh37 (hg19) VCF-style: chr11-553985-G-C.
Other names: short protein forms Q446H.
Identifiers: ClinVar variation 3624150 (VCV003624150.2).